The following is an entry in ClinVar:

ClinVar aggregate classification (germline): Uncertain significance (1 of 4 stars; one submission).

Submission:

Labcorp Genetics (formerly Invitae), Labcorp
Classification: Uncertain significance. Last evaluated: 2023-05-11. Review status: criteria provided, single submitter. Criteria: Invitae Variant Classification Sherloc (09022015). Collection method: clinical testing. Allele origin: germline.
Comment: In summary, the available evidence is currently insufficient to determine the role of this variant in disease. Therefore, it has been classified as a Variant of Uncertain Significance. Experimental studies and prediction algorithms are not available or were not evaluated, and the functional significance of this variant is currently unknown. This variant has not been reported in the literature in individuals affected with MSH3-related conditions. This variant results in a copy number gain of the genomic region encompassing exon(s) 19-24 of the MSH3 gene. This region includes the termination codon of the gene. This copy number gain extends beyond the assayed region for this gene and therefore may encompass additional genes. As the precise location of this event is unknown, it may be in tandem or it may be located elsewhere in the genome.

NC_000005.10:g.(?_80792723)_(80875862_?)dup

Gene: MSH3 (mutS homolog 3; plus strand). Cytogenetic location: 5q14.1.
Variant type: Duplication.
Identifiers: ClinVar variation 830918 (VCV000830918.7).